The following is an entry in ClinVar:

ClinVar aggregate classification (germline): Uncertain significance (1 of 4 stars; one submission).

Conditions:
Nemaline myopathy 2 (NEM2). Also called: Nemaline myopathy 2, autosomal recessive. Identifiers: MedGen C1850569, MONDO:0009725, OMIM 256030.

Allele frequency attached by ClinVar (database versions not stated): gnomAD exomes below 0.00001.
gnomAD v4.1: 3 of 1,578,726 alleles (0.00019%); highest among the groups gnomAD compares: African/African-American, 0.0013%; no homozygotes.

Submission:

Labcorp Genetics (formerly Invitae), Labcorp
Classification: Uncertain significance for Nemaline myopathy 2. Last evaluated: 2022-08-19. Review status: criteria provided, single submitter. Criteria: Invitae Variant Classification Sherloc (09022015). Collection method: clinical testing. Allele origin: germline.
Comment: This sequence change replaces asparagine, which is neutral and polar, with serine, which is neutral and polar, at codon 1290 of the NEB protein (p.Asn1290Ser). This variant is not present in population databases (gnomAD no frequency). This variant has not been reported in the literature in individuals affected with NEB-related conditions. Algorithms developed to predict the effect of missense changes on protein structure and function are either unavailable or do not agree on the potential impact of this missense change (SIFT: "Deleterious"; PolyPhen-2: "Not Available"; Align-GVGD: "Class C0"). Algorithms developed to predict the effect of sequence changes on RNA splicing suggest that this variant may create or strengthen a splice site. In summary, the available evidence is currently insufficient to determine the role of this variant in disease. Therefore, it has been classified as a Variant of Uncertain Significance.

NM_001164508.2(NEB):c.3869A>G (p.Asn1290Ser)

Gene: NEB (nebulin; minus strand). Cytogenetic location: 2q23.3.
Variant type: single nucleotide variant.
Coding change: c.3869A>G on transcript NM_001164508.2 (MANE Select); coding-DNA position 3869, A replaced by G.
Protein change: p.Asn1290Ser; replaces asparagine 1290 with serine.
Molecular consequence: missense variant.
Genome position (GRCh38, 1-based): chr2:151,675,297, T>C on the plus strand (A>G on the coding strand, the complement: NEB is on the minus strand). VCF-style: chr2-151675297-T-C. GRCh37 (hg19) VCF-style: chr2-152531811-T-C.
Other names: c.3869A>G, p.Asn1290Ser (NM_001164507.2, NM_001271208.2, NM_004543.5); short protein forms N1290S.
Identifiers: ClinVar variation 1903263 (VCV001903263.2), dbSNP rs2099350999, ClinGen allele CA348817880.
Genomic context (GRCh38, chr2:151,675,297, plus strand): 5'-AATTTTATTGTCAGGTCCGAATTTCACATCCCAGCAAAGACCCTACTTACGTCACTTATA[T>C]TGTAAGCATTGCACTTGGCCTGGAGAAACTGAGGAAGATCAGGACTCATGGTGTATTTAT-3'
Protein context (NP_001157980.2, residues 1280-1300): QFLQAKCNAY[Asn1290Ser]ISDVCYKRDW